The following is an entry in ClinVar:

NM_198075.4(LRRC56):c.1400G>C (p.Arg467Pro)

Gene: LRRC56 (leucine rich repeat containing 56; plus strand). Cytogenetic location: 11p15.5.
Variant type: single nucleotide variant.
Coding change: c.1400G>C on transcript NM_198075.4 (MANE Select); coding-DNA position 1400, G replaced by C.
Protein change: p.Arg467Pro; replaces arginine 467 with proline.
Molecular consequence: missense variant.
Genome position (GRCh38, 1-based): chr11:554,047, G>C. VCF-style: chr11-554047-G-C. GRCh37 (hg19) VCF-style: chr11-554047-G-C.
Other names: short protein forms R467P.
Identifiers: ClinVar variation 3001672 (VCV003001672.3), dbSNP rs12793222, ClinGen allele CA5780098.

ClinVar aggregate classification (germline): Uncertain significance (1 of 4 stars; one submission).

gnomAD v4.1: 7 of 1,611,488 alleles (0.00043%); highest among the groups gnomAD compares: Admixed American, 0.005%; no homozygotes.

Submission:

Labcorp Genetics (formerly Invitae), Labcorp
Classification: Uncertain significance. Last evaluated: 2024-01-02. Review status: criteria provided, single submitter. Criteria: Invitae Variant Classification Sherloc (09022015). Collection method: clinical testing. Allele origin: germline.
Comment: This sequence change replaces arginine, which is basic and polar, with proline, which is neutral and non-polar, at codon 467 of the LRRC56 protein (p.Arg467Pro). This variant is present in population databases (rs12793222, gnomAD 0.003%). This variant has not been reported in the literature in individuals affected with LRRC56-related conditions. Advanced modeling of protein sequence and biophysical properties (such as structural, functional, and spatial information, amino acid conservation, physicochemical variation, residue mobility, and thermodynamic stability) performed at Invitae indicates that this missense variant is not expected to disrupt LRRC56 protein function with a negative predictive value of 80%. In summary, the available evidence is currently insufficient to determine the role of this variant in disease. Therefore, it has been classified as a Variant of Uncertain Significance.